The following is an entry in ClinVar:

NM_020937.4(FANCM):c.5786G>A (p.Gly1929Glu)

Gene: FANCM (FA complementation group M; plus strand). Cytogenetic location: 14q21.2.
Variant type: single nucleotide variant.
Coding change: c.5786G>A on transcript NM_020937.4 (MANE Select); coding-DNA position 5786, G replaced by A.
Protein change: p.Gly1929Glu; replaces glycine 1929 with glutamic acid.
Molecular consequence: missense variant.
Genome position (GRCh38, 1-based): chr14:45,198,713, G>A. VCF-style: chr14-45198713-G-A. GRCh37 (hg19) VCF-style: chr14-45667916-G-A.
Other names: c.5708G>A, p.Gly1903Glu (NM_001308133.2); short protein forms G1929E, G1903E.
Identifiers: ClinVar variation 5036657 (VCV005036657.1).

ClinVar aggregate classification (germline): Uncertain significance (1 of 4 stars; one submission).

Conditions:
Inborn genetic diseases. Identifiers: MedGen C0950123, MeSH D030342.

Submission:

Ambry Genetics
Classification: Uncertain significance for Inborn genetic diseases. Last evaluated: 2026-07-30. Review status: criteria provided, single submitter. Criteria: Ambry Variant Classification Scheme 2023. Collection method: clinical testing. Allele origin: germline.
Comment: The p.G1929E variant (also known as c.5786G>A), located in coding exon 22 of the FANCM gene, results from a G to A substitution at nucleotide position 5786. The glycine at codon 1929 is replaced by glutamic acid, an amino acid with similar properties. This amino acid position is conserved. In addition, the in silico prediction for this alteration is inconclusive. Based on the available evidence, the clinical significance of this variant remains unclear.